The following is an entry in ClinVar:

NM_145068.4(TRPV3):c.1401+4C>T

Gene: TRPV3 (transient receptor potential cation channel subfamily V member 3; minus strand). Cytogenetic location: 17p13.2.
Variant type: single nucleotide variant.
Coding change: c.1401+4C>T on transcript NM_145068.4 (MANE Select); 4 bases into the intron after coding-DNA position 1401, C replaced by T.
Molecular consequence: intron variant.
Genome position (GRCh38, 1-based): chr17:3,528,833, G>A on the plus strand (C>T on the coding strand, the complement: TRPV3 is on the minus strand). VCF-style: chr17-3528833-G-A. GRCh37 (hg19) VCF-style: chr17-3432127-G-A.
Other names: c.1401+4C>T (NM_001258205.2).
Identifiers: ClinVar variation 888891 (VCV000888891.9), dbSNP rs367941175, ClinGen allele CA8289489.

ClinVar aggregate classification (germline): Conflicting classifications of pathogenicity. Review status: criteria provided, conflicting classifications (1 of 4 stars). 4 submissions from 4 submitters: Uncertain significance (1); Benign (1); Likely benign (2). Last evaluated 2026-01-31.

Conditions:
Isolated focal non-epidermolytic palmoplantar keratoderma. Also called: Palmoplantar keratoderma, nonepidermolytic, focal 2. Identifiers: Orphanet 448264, MedGen C4225339, MONDO:0014622, OMIM 616400.

Allele frequency attached by ClinVar (database versions not stated): ESP Exome Variant Server 0.00015; 1000 Genomes Project 30x 0.00016; 1000 Genomes Project 0.00020; gnomAD 0.00020 and 0.00023; TOPMed 0.00030.
gnomAD v4.1: 191 of 1,614,082 alleles (0.012%); highest among the groups gnomAD compares: Middle Eastern, 0.13%; no homozygotes.

Submissions (4):

Labcorp Genetics (formerly Invitae), Labcorp
Classification: Uncertain significance. Last evaluated: 2026-01-31. Review status: criteria provided, single submitter. Criteria: Invitae Variant Classification Sherloc (09022015). Collection method: clinical testing. Allele origin: germline.
Comment: This sequence change falls in intron 10 of the TRPV3 gene. It does not directly change the encoded amino acid sequence of the TRPV3 protein. It affects a nucleotide within the consensus splice site. This variant is present in population databases (rs367941175, gnomAD 0.05%), and has an allele count higher than expected for a pathogenic variant. This variant has not been reported in the literature in individuals affected with TRPV3-related conditions. ClinVar contains an entry for this variant (Variation ID: 888891). Variants that disrupt the consensus splice site are a relatively common cause of aberrant splicing (PMID: 17576681, 9536098). Algorithms developed to predict the effect of sequence changes on RNA splicing suggest that this variant is not likely to affect RNA splicing. In summary, the available evidence is currently insufficient to determine the role of this variant in disease. Therefore, it has been classified as a Variant of Uncertain Significance.

Genomic Medicine Center of Excellence, King Faisal Specialist Hospital and Research Centre
Classification: Likely benign. Last evaluated: 2025-08-18. Review status: criteria provided, single submitter. Criteria: ACMG Guidelines, 2015. Collection method: clinical testing. Allele origin: germline.

Blueprint Genetics
Classification: Likely benign. Last evaluated: 2024-10-23. Review status: criteria provided, single submitter. Criteria: ACMG Guidelines, 2015. Collection method: clinical testing. Allele origin: germline.

Illumina Laboratory Services, Illumina
Classification: Benign for Isolated focal non-epidermolytic palmoplantar keratoderma. Last evaluated: 2018-01-13. Review status: criteria provided, single submitter. Criteria: ICSL Variant Classification Criteria 13 December 2019. Collection method: clinical testing. Allele origin: germline.
Comment: This variant was observed in the ICSL laboratory as part of a predisposition screen in an ostensibly healthy population. It had not been previously curated by ICSL or reported in the Human Gene Mutation Database (HGMD: prior to June 1st, 2018), and was therefore a candidate for classification through an automated scoring system. Utilizing variant allele frequency, disease prevalence and penetrance estimates, and inheritance mode, an automated score was calculated to assess if this variant is too frequent to cause the disease. Based on the score and internal cut-off values, a variant classified as benign is not then subjected to further curation. The score for this variant resulted in a classification of benign for this disease.

Literature cited by the submitters: PubMed 17576681 (cited by Labcorp Genetics (formerly Invitae), Labcorp); PubMed 9536098 (cited by Labcorp Genetics (formerly Invitae), Labcorp).